The following is an entry in ClinVar:

ClinVar aggregate classification (germline): Pathogenic (1 of 4 stars; one submission).

Conditions:
Primary ciliary dyskinesia. Also called: Ciliary dyskinesia. Identifiers: Orphanet 244, MedGen C0008780, MONDO:0016575, HP:0012265.

Allele frequency attached by ClinVar (database versions not stated): TOPMed 0.00001.
gnomAD v4.1: 3 of 1,613,560 alleles (0.00019%); highest among the groups gnomAD compares: Admixed American, 0.0033%; no homozygotes.

Submission:

Labcorp Genetics (formerly Invitae), Labcorp
Classification: Pathogenic for Primary ciliary dyskinesia. Last evaluated: 2022-06-13. Review status: criteria provided, single submitter. Criteria: Invitae Variant Classification Sherloc (09022015). Collection method: clinical testing. Allele origin: germline.
Comment: This sequence change replaces glycine, which is neutral and non-polar, with aspartic acid, which is acidic and polar, at codon 2177 of the DNAH11 protein (p.Gly2177Asp). This variant is present in population databases (no rsID available, gnomAD 0.003%). For these reasons, this variant has been classified as Pathogenic. Advanced modeling of protein sequence and biophysical properties (such as structural, functional, and spatial information, amino acid conservation, physicochemical variation, residue mobility, and thermodynamic stability) performed at Invitae indicates that this missense variant is expected to disrupt DNAH11 protein function. This missense change has been observed in individual(s) with clinical features of primary ciliary dyskinesia and/or linical features of primary ciliary dyskinesia (Invitae). In at least one individual the data is consistent with being in trans (on the opposite chromosome) from a pathogenic variant.

NM_001277115.2(DNAH11):c.6530G>A (p.Gly2177Asp)

Gene: DNAH11 (dynein axonemal heavy chain 11; plus strand). Cytogenetic location: 7p15.3.
Variant type: single nucleotide variant.
Coding change: c.6530G>A on transcript NM_001277115.2 (MANE Select); coding-DNA position 6530, G replaced by A.
Protein change: p.Gly2177Asp; replaces glycine 2177 with aspartic acid.
Molecular consequence: missense variant.
Genome position (GRCh38, 1-based): chr7:21,705,521, G>A. VCF-style: chr7-21705521-G-A. GRCh37 (hg19) VCF-style: chr7-21745139-G-A.
Other names: c.6551G>A, p.Gly2184Asp (NM_003777.3); short protein forms G2177D, G2184D.
Identifiers: ClinVar variation 1986315 (VCV001986315.4), dbSNP rs1190251540, ClinGen allele CA366938250.